The following is an entry in ClinVar:

ClinVar aggregate classification (germline): Conflicting classifications of pathogenicity. Review status: criteria provided, conflicting classifications (1 of 4 stars). 10 submissions from 10 submitters: Uncertain significance (6); Likely benign (2). 2 of the submissions do not count toward it. Last evaluated 2025-12-13.

Conditions:
Wilms tumor 1 (WT1). Also called: Wilms tumor, somatic. Identifiers: Orphanet 654, MedGen CN033288, MONDO:0008679, OMIM 194070.
Prostate cancer. Also called: Malignant tumor of prostate. Identifiers: Orphanet 1331, MedGen C0376358, MONDO:0008315, HP:0012125.
Familial cancer of breast. Also called: BREAST CANCER, FAMILIAL; Hereditary breast cancer; hereditary breast carcinoma. Identifiers: Orphanet 227535, MedGen C0346153, MONDO:0016419, OMIM 114480. Disease mechanism: loss of function.
Fanconi anemia complementation group D1. Also called: BRCA2-Related Fanconi Anemia. Identifiers: Orphanet 319462, MedGen C1838457, MONDO:0011584, OMIM 605724.
Medulloblastoma (MDB). Also called: Medulloblastoma, somatic; MEDULLOBLASTOMA PREDISPOSITION SYNDROME. Identifiers: Orphanet 616, MedGen C0025149, MeSH D008527, MONDO:0007959, OMIM 155255, HP:0002885.
Breast-ovarian cancer, familial, susceptibility to, 2 (BROVCA2). Also called: BRCA2 Hereditary Breast and Ovarian Cancer. Identifiers: Orphanet 145, MedGen C2675520, MONDO:0012933, OMIM 612555. Disease mechanism: loss of function.
Pancreatic cancer, susceptibility to, 2. Identifiers: Orphanet 1333, MedGen C3150546, MONDO:0013235, OMIM 613347.
Glioma susceptibility 3 (GLM3). Also called: Glioblastoma 3. Identifiers: Orphanet 182067, Orphanet 360, MedGen C2751641, MONDO:0013093, OMIM 613029.
Hereditary cancer-predisposing syndrome. Also called: Hereditary Cancer Syndrome; Tumor predisposition; Hereditary neoplastic syndrome; Neoplastic Syndromes, Hereditary. Identifiers: Orphanet 140162, MedGen C0027672, MeSH D009386, MONDO:0015356.
Hereditary breast ovarian cancer syndrome. Also called: Hereditary breast and/or ovarian cancer syndrome; Hereditary breast and ovarian cancer syndrome; Hereditary breast and ovarian cancer syndrome (HBOC); Hereditary breast and ovarian cancer; Breast and ovarian cancer; BRCA1- and BRCA2-Associated Hereditary Breast and Ovarian Cancer. Identifiers: Orphanet 145, MedGen C0677776, MeSH D061325, MONDO:0003582. Disease mechanism: loss of function.

Allele frequency attached by ClinVar (database versions not stated): gnomAD exomes below 0.00001; TOPMed below 0.00001.
gnomAD v4.1: 2 of 1,614,108 alleles (0.00012%); highest among the groups gnomAD compares: Non-Finnish European, 0.000085%; no homozygotes.

Submissions (10):

Labcorp Genetics (formerly Invitae), Labcorp
Classification: Uncertain significance for Hereditary breast ovarian cancer syndrome. Last evaluated: 2025-12-13. Review status: criteria provided, single submitter. Criteria: Invitae Variant Classification Sherloc (09022015). Collection method: clinical testing. Allele origin: germline.
Comment: This sequence change replaces lysine, which is basic and polar, with asparagine, which is neutral and polar, at codon 382 of the BRCA2 protein (p.Lys382Asn). This variant is present in population databases (rs431825280, gnomAD no frequency). This missense change has been observed in individual(s) with breast cancer (PMID: 17661168). This variant is also known as c.1374A>T. ClinVar contains an entry for this variant (Variation ID: 96761). Invitae Evidence Modeling of protein sequence and biophysical properties (such as structural, functional, and spatial information, amino acid conservation, physicochemical variation, residue mobility, and thermodynamic stability) indicates that this missense variant is not expected to disrupt BRCA2 protein function with a negative predictive value of 95%. In summary, the available evidence is currently insufficient to determine the role of this variant in disease. Therefore, it has been classified as a Variant of Uncertain Significance.

Quest Diagnostics Nichols Institute San Juan Capistrano
Classification: Uncertain significance. Last evaluated: 2025-08-18. Review status: criteria provided, single submitter. Criteria: Quest Diagnostics criteria. Collection method: clinical testing. Allele origin: unknown.
Comment: The BRCA2 c.1146A>T (p.Lys382Asn) variant has been reported in the published literature in individuals with male breast cancer (PMID: 17661168 (2008)), breast cancer (PMID: 32510664 (2020)), or a personal and/or family history of cancer (PMID: 36977404 (2023), 35753294 (2022), 31853058 (2020), 31409081 (2019)). This variant has been reported to be located in a region of the BRCA2 gene that is tolerant to missense sequence changes (PMID: 31911673 (2020)). The frequency of this variant in the general population (Genome Aggregation Database) is uninformative in the assessment of its pathogenicity. Analysis of this variant using bioinformatics tools for the prediction of the effect of amino acid changes on protein structure and function yielded predictions that this variant is benign. Based on the available information, we are unable to determine the clinical significance of this variant.

Ambry Genetics
Classification: Likely benign for Hereditary cancer-predisposing syndrome. Last evaluated: 2025-06-27. Review status: criteria provided, single submitter. Criteria: Ambry Variant Classification Scheme 2023. Collection method: clinical testing. Allele origin: germline.

Color Diagnostics, LLC DBA Color Health
Classification: Uncertain significance for Hereditary cancer-predisposing syndrome. Last evaluated: 2025-02-18. Review status: criteria provided, single submitter. Criteria: ACMG Guidelines, 2015. Collection method: clinical testing. Allele origin: germline.
Comment: This missense variant replaces lysine with asparagine at codon 382 of the BRCA2 protein. Computational prediction suggests that this variant may not impact protein structure and function. To our knowledge, functional studies have not been reported for this variant.This variant has been reported in three individuals affected with breast, ovarian or endometrial cancer, including one who also has a pathogenic frameshift variant in BRCA2 (PMID: 17661168, 35753294, 36977404 ). A multifactorial analysis has reported a likelihood ratio for pathogenicity based on personal and family history of 0.601 from log(LR)=-0.220834464 for 6 carriers (PMID: 31853058). This variant has been identified in 1/250216 chromosomes in the general population by the Genome Aggregation Database (gnomAD). The available evidence is insufficient to determine the role of this variant in disease conclusively. Therefore, this variant is classified as a Variant of Uncertain Significance.

All of Us Research Program, National Institutes of Health
Classification: Uncertain significance for Breast-ovarian cancer, familial, susceptibility to, 2. Last evaluated: 2023-10-27. Review status: criteria provided, single submitter. Criteria: ACMG Guidelines, 2015. Collection method: clinical testing. Allele origin: germline. Inheritance: Autosomal dominant inheritance. Observed: 4 variant alleles, 4 heterozygotes.
Comment: This missense variant replaces lysine with asparagine at codon 382 of the BRCA2 protein. Computational prediction suggests that this variant may not impact protein structure and function (internally defined REVEL score threshold <= 0.5, PMID: 27666373). To our knowledge, functional studies have not been reported for this variant. This variant has been identified in 1/250216 chromosomes in the general population by the Genome Aggregation Database (gnomAD). The available evidence is insufficient to determine the role of this variant in disease conclusively. Therefore, this variant is classified as a Variant of Uncertain Significance.

This study involves interpretation of variants in research participants for the purpose of population health screening. Participant phenotype was not available at the time of variant classification. Additional details can be found in publication PMID: 35346344, PMCID: PMC8962531

University of Washington Department of Laboratory Medicine, University of Washington
Classification: Likely benign for Hereditary cancer-predisposing syndrome. Last evaluated: 2023-03-23. Review status: criteria provided, single submitter. Criteria: Dines et al. (Genet Med. 2020). Collection method: curation. Allele origin: germline.
Comment: Missense variant in a coldspot region where missense variants are very unlikely to be pathogenic (PMID:31911673).

BRCA2 exon 10 coldspot. Reclassification based on statistical prior probability.

Fulgent Genetics
Classification: Uncertain significance for Familial cancer of breast; Medulloblastoma; Familial prostate cancer; Wilms tumor 1; Fanconi anemia complementation group D1; Breast-ovarian cancer, familial, susceptibility to, 2; Glioma susceptibility 3; Pancreatic cancer, susceptibility to, 2. Last evaluated: 2022-05-30. Review status: criteria provided, single submitter. Criteria: ACMG Guidelines, 2015. Collection method: clinical testing. Allele origin: unknown.

GeneDx
Classification: Uncertain significance. Last evaluated: 2020-03-25. Review status: criteria provided, single submitter. Criteria: GeneDx Variant Classification Process June 2021. Collection method: clinical testing. Allele origin: germline. Affected: yes.
Comment: Not observed at a significant frequency in large population cohorts (Lek 2016); In silico analysis supports that this missense variant does not alter protein structure/function; Also known as BRCA2 c.1374A>T; Observed in individuals with a personal or family history including breast cancer (Falchetti 2008); This variant is associated with the following publications: (PMID: 17661168, 23683081, 27150160)

Department of Medical and Surgical Sciences, University of Bologna
Classification: Likely benign for Breast-ovarian cancer, familial, susceptibility to, 2. Last evaluated: 2023-09-01. Review status: no assertion criteria provided. Collection method: clinical testing. Allele origin: germline. Affected: yes. Not counted in ClinVar's aggregate classification.
Comment: PM2(Supporting)+BP1(Strong) according to ACMG/AMP classification guidelines specified for BRCA1 & BRCA2 (Classification Criteria V1.0.0 2023-09-08) (PMID: 38160042)

Sharing Clinical Reports Project (SCRP)
Classification: Uncertain significance for Breast-ovarian cancer, familial 2. Last evaluated: 2012-05-01. Review status: no assertion criteria provided. Collection method: clinical testing. Allele origin: germline. Not counted in ClinVar's aggregate classification.

Literature cited by the submitters: PubMed 17661168 (cited by 4 submitters); PubMed 31409081 (cited by Quest Diagnostics Nichols Institute San Juan Capistrano and All of Us Research Program, National Institutes of Health); PubMed 32510664 (cited by 3 submitters); PubMed 31853058 (cited by Quest Diagnostics Nichols Institute San Juan Capistrano and Color Diagnostics, LLC DBA Color Health); PubMed 35753294 (cited by 3 submitters); PubMed 36977404 (cited by 3 submitters); PubMed 38160042 (cited by Quest Diagnostics Nichols Institute San Juan Capistrano); PubMed 31911673 (cited by Quest Diagnostics Nichols Institute San Juan Capistrano).

NM_000059.4(BRCA2):c.1146A>T (p.Lys382Asn)

Gene: BRCA2 (BRCA2 DNA repair associated; plus strand). Cytogenetic location: 13q13.1.
Variant type: single nucleotide variant.
Coding change: c.1146A>T on transcript NM_000059.4 (MANE Select); coding-DNA position 1146, A replaced by T.
Protein change: p.Lys382Asn; replaces lysine 382 with asparagine.
Molecular consequence: missense variant.
Genome position (GRCh38, 1-based): chr13:32,332,624, A>T. VCF-style: chr13-32332624-A-T. GRCh37 (hg19) VCF-style: chr13-32906761-A-T.
Other names: 1374A>T; short protein forms K382N.
Identifiers: ClinVar variation 96761 (VCV000096761.28), dbSNP rs431825280, ClinGen allele CA010939.